The following is an entry in ClinVar:

NM_001017420.3(ESCO2):c.329dup (p.Thr112fs)

Gene: ESCO2 (establishment of sister chromatid cohesion N-acetyltransferase 2; plus strand). Cytogenetic location: 8p21.1.
Variant type: Duplication.
Coding change: c.329dup on transcript NM_001017420.3 (MANE Select); coding-DNA position 329, one base duplicated (T; older notation c.329dupT).
Protein change: p.Thr112fs; shifts the reading frame from threonine 112.
Molecular consequence: frameshift variant.
Genome position (GRCh38, 1-based): chr8:27,776,637, T duplicated. VCF-style (leftmost placement, unchanged base first): chr8-27776636-C-CT. GRCh37 (hg19) VCF-style: chr8-27634153-C-CT.
Other names: short protein forms T112fs.
Identifiers: ClinVar variation 2763583 (VCV002763583.3), dbSNP rs2486627198, ClinGen allele CA2697549786.

ClinVar aggregate classification (germline): Pathogenic (1 of 4 stars; one submission).

Submission:

Labcorp Genetics (formerly Invitae), Labcorp
Classification: Pathogenic. Last evaluated: 2023-09-27. Review status: criteria provided, single submitter. Criteria: Invitae Variant Classification Sherloc (09022015). Collection method: clinical testing. Allele origin: germline.
Comment: For these reasons, this variant has been classified as Pathogenic. This variant has not been reported in the literature in individuals affected with ESCO2-related conditions. This variant is not present in population databases (gnomAD no frequency). This sequence change creates a premature translational stop signal (p.Thr112Asnfs*2) in the ESCO2 gene. It is expected to result in an absent or disrupted protein product. Loss-of-function variants in ESCO2 are known to be pathogenic (PMID: 15821733, 16380922).

Literature cited by the submitters: PubMed 15821733; PubMed 16380922.